The following is an entry in ClinVar:

NM_152703.5(SAMD9L):c.2804C>G (p.Ser935Cys)

Gene: SAMD9L (sterile alpha motif domain containing 9 like; minus strand). Cytogenetic location: 7q21.2.
Variant type: single nucleotide variant.
Coding change: c.2804C>G on transcript NM_152703.5 (MANE Select); coding-DNA position 2804, C replaced by G.
Protein change: p.Ser935Cys; replaces serine 935 with cysteine.
Molecular consequence: missense variant.
Genome position (GRCh38, 1-based): chr7:93,133,168, G>C on the plus strand (C>G on the coding strand, the complement: SAMD9L is on the minus strand). VCF-style: chr7-93133168-G-C. GRCh37 (hg19) VCF-style: chr7-92762481-G-C.
Other names: c.2804C>G, p.Ser935Cys (NM_001303496.3, NM_001303497.3, NM_001303498.3 and 5 more transcripts); short protein forms S935C.
Identifiers: ClinVar variation 4863950 (VCV004863950.1).

ClinVar aggregate classification (germline): Uncertain significance (1 of 4 stars; one submission).

Conditions:
Inborn genetic diseases. Identifiers: MedGen C0950123, MeSH D030342.

gnomAD v4.1: 4 of 1,613,366 alleles (0.00025%); highest among the groups gnomAD compares: Non-Finnish European, 0.00034%; no homozygotes.

Submission:

Ambry Genetics
Classification: Uncertain significance for Inborn genetic diseases. Last evaluated: 2026-04-19. Review status: criteria provided, single submitter. Criteria: Ambry Variant Classification Scheme 2023. Collection method: clinical testing. Allele origin: germline.
Comment: The p.S935C variant (also known as c.2804C>G), located in coding exon 1 of the SAMD9L gene, results from a C to G substitution at nucleotide position 2804. The serine at codon 935 is replaced by cysteine, an amino acid with dissimilar properties. This amino acid position is conserved. In addition, this alteration is predicted to be tolerated by in silico analysis. Based on the available evidence, the clinical significance of this variant remains unclear.